The following is an entry in ClinVar:

ClinVar aggregate classification (germline): Likely benign. Review status: criteria provided, multiple submitters, no conflicts (2 of 4 stars). 4 submissions from 4 submitters: Likely benign (4). Last evaluated 2025-04-01.

Conditions:
Cardiovascular phenotype. Identifiers: MedGen CN230736.
Arrhythmogenic right ventricular cardiomyopathy (ARVD). Also called: Arrhythmogenic cardiomyopathy; Cardiomyopathy, ARVC; Arrhythmogenic right ventricular dysplasia; Arrhythmogenic Right Ventricular Cardiomyopathy (ARVC). Identifiers: Orphanet 247, MedGen C0349788, MeSH D019571, MONDO:0016587. Disease mechanism: loss of function. Inheritance: Various modes of inheritance.
Cardiomyopathy (CMYO). Also called: Cardiomyopathies. Identifiers: Orphanet 167848, MedGen C0878544, MONDO:0004994, HP:0001638. Inheritance: Various modes of inheritance.
Arrhythmogenic right ventricular dysplasia 10. Also called: Arrhythmogenic Right Ventricular Dysplasia/Cardiomyopathy10; ARRHYTHMOGENIC RIGHT VENTRICULAR DYSPLASIA, FAMILIAL, 10; Arrhythmogenic right ventricular dysplasia/cardiomyopathy, type 10. Identifiers: MedGen C1857777, MONDO:0012434, OMIM 610193.

Allele frequency attached by ClinVar (database versions not stated): TOPMed below 0.00001; ExAC 0.00001; gnomAD exomes 0.00001.
gnomAD v4.1: 8 of 1,614,098 alleles (0.0005%); highest among the groups gnomAD compares: Middle Eastern, 0.016%; no homozygotes.

Submissions (4):

Labcorp Genetics (formerly Invitae), Labcorp
Classification: Likely benign for Arrhythmogenic right ventricular dysplasia 10. Last evaluated: 2025-04-01. Review status: criteria provided, single submitter. Criteria: Invitae Variant Classification Sherloc (09022015). Collection method: clinical testing. Allele origin: germline.

All of Us Research Program, National Institutes of Health
Classification: Likely benign for Arrhythmogenic right ventricular cardiomyopathy. Last evaluated: 2024-03-14. Review status: criteria provided, single submitter. Criteria: ACMG Guidelines, 2015. Collection method: clinical testing. Allele origin: germline. Inheritance: Autosomal dominant inheritance. Observed: 1 variant allele, 1 heterozygote.
Comment: This study involves interpretation of variants in research participants for the purpose of population health screening. Participant phenotype was not available at the time of variant classification. Additional details can be found in publication PMID: 35346344, PMCID: PMC8962531

Ambry Genetics
Classification: Likely benign for Cardiovascular phenotype. Last evaluated: 2022-07-11. Review status: criteria provided, single submitter. Criteria: Ambry Variant Classification Scheme 2023. Collection method: clinical testing. Allele origin: germline.

Color Diagnostics, LLC DBA Color Health
Classification: Likely benign for Cardiomyopathy. Last evaluated: 2019-06-10. Review status: criteria provided, single submitter. Criteria: ACMG Guidelines, 2015. Collection method: clinical testing. Allele origin: germline.

NM_001943.5(DSG2):c.1596C>T (p.Ser532=)

Gene: DSG2 (desmoglein 2; plus strand). Cytogenetic location: 18q12.1.
Variant type: single nucleotide variant.
Coding change: c.1596C>T on transcript NM_001943.5 (MANE Select); coding-DNA position 1596, C replaced by T.
Protein change: p.Ser532=; no amino-acid change (serine 532 retained).
Molecular consequence: synonymous variant.
Genome position (GRCh38, 1-based): chr18:31,536,374, C>T. VCF-style: chr18-31536374-C-T. GRCh37 (hg19) VCF-style: chr18-29116337-C-T.
Identifiers: ClinVar variation 919348 (VCV000919348.12), dbSNP rs775653162, ClinGen allele CA042931.